The following is an entry in ClinVar:

NM_013382.7(POMT2):c.1223A>G (p.His408Arg)

Gene: POMT2 (protein O-mannosyltransferase 2; minus strand). Cytogenetic location: 14q24.3.
Variant type: single nucleotide variant.
Coding change: c.1223A>G on transcript NM_013382.7 (MANE Select); coding-DNA position 1223, A replaced by G.
Protein change: p.His408Arg; replaces histidine 408 with arginine.
Molecular consequence: missense variant.
Genome position (GRCh38, 1-based): chr14:77,288,792, T>C on the plus strand (A>G on the coding strand, the complement: POMT2 is on the minus strand). VCF-style: chr14-77288792-T-C. GRCh37 (hg19) VCF-style: chr14-77755135-T-C.
Other names: short protein forms H408R.
Identifiers: ClinVar variation 658014 (VCV000658014.9), dbSNP rs1594787166, ClinGen allele CA390518339.

ClinVar aggregate classification (germline): Uncertain significance (1 of 4 stars; one submission).

Conditions:
Muscular dystrophy-dystroglycanopathy (congenital with brain and eye anomalies), type A2. Also called: WALKER-WARBURG SYNDROME OR MUSCLE-EYE-BRAIN DISEASE, POMT2-RELATED; MUSCULAR DYSTROPHY-DYSTROGLYCANOPATHY (CONGENITAL WITH BRAIN AND EYE ANOMALIES), TYPE A, 2. Identifiers: Orphanet 588, Orphanet 899, MedGen C3150411, MONDO:0013154, OMIM 613150.
Muscular dystrophy-dystroglycanopathy (congenital with impaired intellectual development), type B, 2. Also called: Muscular dystrophy-dystroglycanopathy (congenital with intellectual disability), type B2; MUSCULAR DYSTROPHY, CONGENITAL, POMT2-RELATED. Identifiers: MedGen C3150416, MONDO:0013160, OMIM 613156.
Autosomal recessive limb-girdle muscular dystrophy type 2N. Also called: MUSCULAR DYSTROPHY-DYSTROGLYCANOPATHY, LIMB-GIRDLE, POMT2-RELATED; Muscular dystrophy-dystroglycanopathy (limb-girdle), type C, 2. Identifiers: Orphanet 206559, MedGen C3150418, MONDO:0013162, OMIM 613158.

gnomAD v4.1: 1 of 1,613,972 alleles (0.000062%); highest among the groups gnomAD compares: Non-Finnish European, 0.000085%; no homozygotes.

Submission:

Labcorp Genetics (formerly Invitae), Labcorp
Classification: Uncertain significance for Muscular dystrophy-dystroglycanopathy (congenital with impaired intellectual development), type B, 2; Muscular dystrophy-dystroglycanopathy (congenital with brain and eye anomalies), type A2; Autosomal recessive limb-girdle muscular dystrophy type 2N. Last evaluated: 2020-01-15. Review status: criteria provided, single submitter. Criteria: Invitae Variant Classification Sherloc (09022015). Collection method: clinical testing. Allele origin: germline.
Comment: Algorithms developed to predict the effect of missense changes on protein structure and function are either unavailable or do not agree on the potential impact of this missense change (SIFT: "Deleterious"; PolyPhen-2: "Probably Damaging"; Align-GVGD: "Class C0"). In summary, the available evidence is currently insufficient to determine the role of this variant in disease. Therefore, it has been classified as a Variant of Uncertain Significance. This variant has not been reported in the literature in individuals with POMT2-related disease. This variant is not present in population databases (ExAC no frequency). This sequence change replaces histidine with arginine at codon 408 of the POMT2 protein (p.His408Arg). The histidine residue is highly conserved and there is a small physicochemical difference between histidine and arginine.